The following is an entry in ClinVar:

NM_000128.4(F11):c.200_201insCAAGCAGAAGACGGCA (p.Glu68fs)

Gene: F11 (coagulation factor XI; plus strand). Cytogenetic location: 4q35.2.
Variant type: Insertion.
Coding change: c.200_201insCAAGCAGAAGACGGCA on transcript NM_000128.4 (MANE Select); coding-DNA positions 200 to 201, CAAGCAGAAGACGGCA inserted.
Protein change: p.Glu68fs; shifts the reading frame from glutamic acid 68.
Molecular consequence: frameshift variant.
Genome position: GRCh38 VCF-style: chr4-186271753-C-CCAAGCAGAAGACGGCA. GRCh37 (hg19) VCF-style: chr4-187192907-C-CCAAGCAGAAGACGGCA.
Other names: c.200_201insCAAGCAGAAGACGGCA, p.Glu68fs (NM_001354804.2, NM_001440590.1, NM_001440593.1 and 5 more transcripts); short protein forms E68fs.
Identifiers: ClinVar variation 5016351 (VCV005016351.1).
Genomic context (GRCh38, chr4:186,271,753, plus strand): 5'-AGGTAGTCTGCACTTACCACCCAAGATGTTTACTCTTCACTTTCACGGCGGAATCACCAT[C>CCAAGCAGAAGACGGCA]TGAGGATCCCACCCGATGGTAAATGCTTATGTTTCTACATCGAGGAGACAGATTTTTAAA-3'

ClinVar aggregate classification (germline): Pathogenic (1 of 4 stars; one submission).

Conditions:
Hereditary factor XI deficiency disease. Also called: PLASMA THROMBOPLASTIN ANTECEDENT DEFICIENCY; PTA DEFICIENCY; ROSENTHAL SYNDROME; Congenital factor XI deficiency. Identifiers: Orphanet 329, MedGen C0015523, MeSH D005173, MONDO:0012897, OMIM 612416.

Submission:

Myriad Genetics, Inc.
Classification: Pathogenic for Hereditary factor XI deficiency disease. Last evaluated: 2024-05-14. Review status: criteria provided, single submitter. Criteria: Myriad Autosomal Dominant, Autosomal Recessive and X-Linked Classification Criteria (2023). Collection method: clinical testing. Allele origin: unknown.
Comment: NM_000128.3(F11):c.200_201ins16(E68Kfs*6) is expected to be pathogenic in the context of factor XI deficiency. This variant is predicted to lead to an abnormal or absent protein product due to the creation of a premature termination codon in F11, a gene where loss-of-function variants are known to be pathogenic. Please note: this variant was assessed in the context of healthy population screening.